The following is an entry in ClinVar:

ClinVar aggregate classification (germline): Uncertain significance (1 of 4 stars; one submission).

gnomAD v4.1: 10 of 1,613,294 alleles (0.00062%); highest among the groups gnomAD compares: Middle Eastern, 0.016%; no homozygotes.

Submission:

GeneDx
Classification: Uncertain significance. Last evaluated: 2025-04-09. Review status: criteria provided, single submitter. Criteria: GeneDx Variant Classification Process June 2021. Collection method: clinical testing. Allele origin: germline.
Comment: In silico analysis supports that this missense variant has a deleterious effect on protein structure/function; Has not been previously published as pathogenic or benign to our knowledge

NM_000213.5(ITGB4):c.3913G>A (p.Gly1305Ser)

Genes: GALK1 (galactokinase 1; minus strand), ITGB4 (integrin subunit beta 4; plus strand). Cytogenetic location: 17q25.1.
Variant type: single nucleotide variant.
Coding change: c.3913G>A on transcript NM_000213.5 (MANE Select); coding-DNA position 3913, G replaced by A.
Protein change: p.Gly1305Ser; replaces glycine 1305 with serine.
Molecular consequence: missense variant. On other transcripts: intron variant (1).
Genome position (GRCh38, 1-based): chr17:75,752,293, G>A. VCF-style: chr17-75752293-G-A. GRCh37 (hg19) VCF-style: chr17-73748374-G-A.
Other names: c.3913G>A, p.Gly1305Ser (NM_001005619.2, NM_001005731.3, NM_001321123.2 and 1 more transcripts); c.*23-556C>T (NM_001381985.1); short protein forms G1305S.
Identifiers: ClinVar variation 2663083 (VCV002663083.2), dbSNP rs867306119, ClinGen allele CA294081779.
Genomic context (GRCh38, chr17:75,752,293, plus strand): 5'-ATTGAGAACCTTCGGGAGTCCCAGCCCTACCGCTACACGGTGAAGGCGCGCAACGGGGCC[G>A]GCTGGGGGCCTGAGCGGGAGGCCATCATCAACCTGGCCACCCAGCCCAAGAGGCCCATGT-3'
Protein context (NP_000204.3, residues 1295-1315): RYTVKARNGA[Gly1305Ser]WGPEREAIIN